The following is an entry in ClinVar:

NM_015215.4(CAMTA1):c.3474A>G (p.Lys1158=)

Gene: CAMTA1 (calmodulin binding transcription activator 1; plus strand). Cytogenetic location: 1p36.23.
Variant type: single nucleotide variant.
Coding change: c.3474A>G on transcript NM_015215.4 (MANE Select); coding-DNA position 3474, A replaced by G.
Protein change: p.Lys1158=; no amino-acid change (lysine 1158 retained).
Molecular consequence: synonymous variant.
Genome position (GRCh38, 1-based): chr1:7,737,386, A>G. VCF-style: chr1-7737386-A-G. GRCh37 (hg19) VCF-style: chr1-7797446-A-G.
Other names: c.3384A>G, p.Lys1128= (NM_001349608.2, NM_001349612.2); c.3474A>G, p.Lys1158= (NM_001349609.2, NM_001349610.2, NM_001410737.1); c.603A>G, p.Lys201= (NM_001349613.1); c.546A>G, p.Lys182= (NM_001349614.1, NM_001349615.2, NM_001349616.2 and 10 more transcripts); c.3402A>G, p.Lys1134= (NM_001410738.1).
Identifiers: ClinVar variation 2638141 (VCV002638141.24), dbSNP rs2096780321, ClinGen allele CA415819498.

ClinVar aggregate classification (germline): Likely benign (1 of 4 stars; one submission).

Allele frequency attached by ClinVar (database versions not stated): TOPMed below 0.00001.

Submission:

CeGaT Center for Human Genetics Tuebingen
Classification: Likely benign. Last evaluated: 2022-06-01. Review status: criteria provided, single submitter. Criteria: CeGaT Center For Human Genetics Tuebingen Variant Classification Criteria Version 2. Collection method: clinical testing. Allele origin: germline. Affected: yes. Observed: 1 variant allele.
Comment: CAMTA1: PM2:Supporting, BP4, BP7